The following is an entry in ClinVar:

NM_004006.3(DMD):c.8391-3C>G

Gene: DMD (dystrophin; minus strand). Cytogenetic location: Xp21.2.
Variant type: single nucleotide variant.
Coding change: c.8391-3C>G on transcript NM_004006.3 (MANE Select); 3 bases into the intron before coding-DNA position 8391, C replaced by G.
Molecular consequence: intron variant.
Genome position (GRCh38, 1-based): chrX:31,496,947, G>C on the plus strand (C>G on the coding strand, the complement: DMD is on the minus strand). VCF-style: chrX-31496947-G-C. GRCh37 (hg19) VCF-style: chrX-31515064-G-C.
Other names: c.8367-3C>G (NM_000109.4); c.4368-3C>G (NM_004011.4); c.4359-3C>G (NM_004012.4); c.1011-3C>G (NM_004023.3, NM_004020.4, NM_004022.3 and 2 more transcripts); c.204-3C>G (NM_004014.3); c.8379-3C>G (NM_004009.3); c.8022-3C>G (NM_004010.3).
Identifiers: ClinVar variation 860674 (VCV000860674.11), dbSNP rs2069924068, ClinGen allele CA916081251.

ClinVar aggregate classification (germline): Uncertain significance. Review status: criteria provided, single submitter (1 of 4 stars). 2 submissions from 2 submitters: Uncertain significance (1). 1 of the submissions does not count toward it. Last evaluated 2023-04-16.

Conditions:
Duchenne muscular dystrophy (DMD). Also called: Duchenne Muscular Dystrophy (DMD); MUSCULAR DYSTROPHY, PSEUDOHYPERTROPHIC PROGRESSIVE, DUCHENNE TYPE. Identifiers: Orphanet 98896, MedGen C0013264, MONDO:0010679, OMIM 310200.
Dystrophin deficiency.
Becker muscular dystrophy (BMD). Also called: MUSCULAR DYSTROPHY, PSEUDOHYPERTROPHIC PROGRESSIVE, BECKER TYPE; Becker Muscular Dystrophy (BMD). Identifiers: Orphanet 98895, MedGen C0917713, MONDO:0010311, OMIM 300376.
Cardiomyopathy (CMYO). Also called: Cardiomyopathies. Identifiers: Orphanet 167848, MedGen C0878544, MONDO:0004994, HP:0001638. Inheritance: Various modes of inheritance.

Allele frequency attached by ClinVar (database versions not stated): gnomAD 0.00001; gnomAD exomes below 0.00001.
gnomAD v4.1: 4 of 1,204,630 alleles (0.00033%); highest among the groups gnomAD compares: Non-Finnish European, 0.00045%; no homozygotes.

Submissions (2):

Labcorp Genetics (formerly Invitae), Labcorp
Classification: Uncertain significance for Duchenne muscular dystrophy. Last evaluated: 2023-04-16. Review status: criteria provided, single submitter. Criteria: Invitae Variant Classification Sherloc (09022015). Collection method: clinical testing. Allele origin: germline.
Comment: In summary, the available evidence is currently insufficient to determine the role of this variant in disease. Therefore, it has been classified as a Variant of Uncertain Significance. Variants that disrupt the consensus splice site are a relatively common cause of aberrant splicing (PMID: 17576681, 9536098). Algorithms developed to predict the effect of sequence changes on RNA splicing suggest that this variant may create or strengthen a splice site. ClinVar contains an entry for this variant (Variation ID: 860674). This variant has not been reported in the literature in individuals affected with DMD-related conditions. This variant is not present in population databases (gnomAD no frequency). This sequence change falls in intron 56 of the DMD gene. It does not directly change the encoded amino acid sequence of the DMD protein. It affects a nucleotide within the consensus splice site.

Natera, Inc.
Classification: Uncertain significance for Becker muscular dystrophy; Cardiomyopathy; Duchenne muscular dystrophy; Dystrophin deficiency. Last evaluated: 2018-11-27. Review status: no assertion criteria provided. Collection method: clinical testing. Allele origin: germline. Not counted in ClinVar's aggregate classification.

Literature cited by the submitters: PubMed 17576681 (cited by Labcorp Genetics (formerly Invitae), Labcorp); PubMed 9536098 (cited by Labcorp Genetics (formerly Invitae), Labcorp).